The following is an entry in ClinVar:

NM_004984.4(KIF5A):c.43C>T (p.Arg15Ter)

Gene: KIF5A (kinesin family member 5A; plus strand). Cytogenetic location: 12q13.3.
Variant type: single nucleotide variant.
Coding change: c.43C>T on transcript NM_004984.4 (MANE Select); coding-DNA position 43, C replaced by T.
Protein change: p.Arg15Ter; replaces arginine 15 with a stop codon.
Molecular consequence: nonsense.
Genome position (GRCh38, 1-based): chr12:57,550,314, C>T. VCF-style: chr12-57550314-C-T. GRCh37 (hg19) VCF-style: chr12-57944097-C-T.
Other names: c.43C>T, p.Arg15Ter (NM_001354705.2); short protein forms R15*.
Identifiers: ClinVar variation 1508288 (VCV001508288.6), dbSNP rs2140150119, ClinGen allele CA385495845.

ClinVar aggregate classification (germline): Pathogenic (1 of 4 stars; one submission).

Conditions:
Spastic paraplegia. Identifiers: MedGen C0037772, HP:0001258.

Submission:

Labcorp Genetics (formerly Invitae), Labcorp
Classification: Pathogenic for Spastic paraplegia. Last evaluated: 2024-01-24. Review status: criteria provided, single submitter. Criteria: Invitae Variant Classification Sherloc (09022015). Collection method: clinical testing. Allele origin: germline.
Comment: This sequence change creates a premature translational stop signal (p.Arg15*) in the KIF5A gene. It is expected to result in an absent or disrupted protein product. Loss-of-function variants in KIF5A are known to be pathogenic (PMID: 26374131). This variant is not present in population databases (gnomAD no frequency). This variant has not been reported in the literature in individuals affected with KIF5A-related conditions. ClinVar contains an entry for this variant (Variation ID: 1508288). For these reasons, this variant has been classified as Pathogenic.

Literature cited by the submitters: PubMed 26374131.